The following is an entry in ClinVar:

ClinVar aggregate classification (germline): Uncertain significance (1 of 4 stars; one submission).

Submission:

Women's Health and Genetics/Laboratory Corporation of America, LabCorp
Classification: Uncertain significance. Last evaluated: 2026-01-12. Review status: criteria provided, single submitter. Criteria: LabCorp Variant Classification Summary - May 2015. Collection method: clinical testing. Allele origin: germline.
Comment: Variant summary: CREBBP c.4575A>T (p.Gln1525His) results in a non-conservative amino acid change in the encoded protein sequence. Algorithms developed to predict the effect of missense changes on protein structure and function all suggest that this variant is likely to be disruptive. The variant was absent in 251478 control chromosomes. The available data on variant occurrences in the general population are insufficient to allow any conclusion about variant significance. To our knowledge, no occurrence of c.4575A>T in individuals affected with CREBBP-related conditions and no experimental evidence demonstrating its impact on protein function have been reported. No submitters have cited clinical-significance assessments for this variant to ClinVar. Based on the evidence outlined above, the variant was classified as uncertain significance.

NM_004380.3(CREBBP):c.4575A>T (p.Gln1525His)

Gene: CREBBP (CREB binding lysine acetyltransferase; minus strand). Cytogenetic location: 16p13.3.
Variant type: single nucleotide variant.
Coding change: c.4575A>T on transcript NM_004380.3 (MANE Select); coding-DNA position 4575, A replaced by T.
Protein change: p.Gln1525His; replaces glutamine 1525 with histidine.
Molecular consequence: missense variant.
Genome position (GRCh38, 1-based): chr16:3,736,189, T>A on the plus strand (A>T on the coding strand, the complement: CREBBP is on the minus strand). VCF-style: chr16-3736189-T-A. GRCh37 (hg19) VCF-style: chr16-3786190-T-A.
Other names: c.4461A>T, p.Gln1487His (NM_001079846.1); short protein forms Q1487H, Q1525H.
Identifiers: ClinVar variation 4689453 (VCV004689453.1).